The following is an entry in ClinVar:

NM_004656.4(BAP1):c.1412del (p.Ala471fs)

Gene: BAP1 (BRCA1 associated deubiquitinase 1; minus strand). Cytogenetic location: 3p21.1.
Variant type: Deletion.
Coding change: c.1412del on transcript NM_004656.4 (MANE Select); coding-DNA position 1412, one base deleted (C; older notation c.1412delC).
Protein change: p.Ala471fs; shifts the reading frame from alanine 471.
Molecular consequence: frameshift variant.
Genome position (GRCh38, 1-based): chr3:52,403,733, G deleted on the plus strand (C on the coding strand, the reverse complement: BAP1 is on the minus strand). VCF-style (leftmost placement, unchanged base first): chr3-52403732-AG-A. GRCh37 (hg19) VCF-style: chr3-52437748-AG-A.
Other names: c.1358del, p.Ala453fs (NM_001410772.1); short protein forms A453fs, A471fs.
Identifiers: ClinVar variation 4294223 (VCV004294223.2).

ClinVar aggregate classification (germline): Pathogenic. Review status: criteria provided, multiple submitters, no conflicts (2 of 4 stars). 2 submissions from 2 submitters: Pathogenic (2). Last evaluated 2026-06-30.

Conditions:
BAP1-related tumor predisposition syndrome (TPDS1). Also called: Tumor susceptibility linked to germline BAP1 mutations; COMMON Syndrome; TUMOR PREDISPOSITION SYNDROME 1; BAP1 tumor predisposition syndrome. Identifiers: Orphanet 289539, MedGen C3280492, MONDO:0013692, OMIM 614327.
Hereditary cancer-predisposing syndrome. Also called: Neoplastic Syndromes, Hereditary; Tumor predisposition; Hereditary Cancer Syndrome; Hereditary neoplastic syndrome. Identifiers: Orphanet 140162, MedGen C0027672, MeSH D009386, MONDO:0015356.

Submissions (2):

Ambry Genetics
Classification: Pathogenic for Hereditary cancer-predisposing syndrome. Last evaluated: 2026-06-30. Review status: criteria provided, single submitter. Criteria: Ambry Variant Classification Scheme 2023. Collection method: clinical testing. Allele origin: germline.
Comment: The c.1412delC pathogenic mutation, located in coding exon 13 of the BAP1 gene, results from a deletion of one nucleotide at nucleotide position 1412, causing a translational frameshift with a predicted alternate stop codon (p.A471Vfs*100). This alteration is expected to result in loss of function by premature protein truncation or nonsense-mediated mRNA decay. This variant is considered to be rare based on population cohorts in the Genome Aggregation Database (gnomAD). As such, this alteration is interpreted as a disease-causing mutation.

Myriad Genetics, Inc.
Classification: Pathogenic for BAP1-related tumor predisposition syndrome. Last evaluated: 2025-07-02. Review status: criteria provided, single submitter. Criteria: Myriad Autosomal Dominant, Autosomal Recessive and X-Linked Classification Criteria (2023). Collection method: clinical testing. Allele origin: unknown.
Comment: This variant is considered pathogenic. This variant creates a frameshift predicted to result in premature protein truncation.